The following is an entry in ClinVar:

NM_021224.6(ZNF462):c.3621G>A (p.Gly1207=)

Gene: ZNF462 (zinc finger protein 462; plus strand). Cytogenetic location: 9q31.2.
Variant type: single nucleotide variant.
Coding change: c.3621G>A on transcript NM_021224.6 (MANE Select); coding-DNA position 3621, G replaced by A.
Protein change: p.Gly1207=; no amino-acid change (glycine 1207 retained).
Molecular consequence: synonymous variant. On other transcripts: intron variant (1).
Genome position (GRCh38, 1-based): chr9:106,927,533, G>A. VCF-style: chr9-106927533-G-A. GRCh37 (hg19) VCF-style: chr9-109689814-G-A.
Other names: c.3252+369G>A (NM_001347997.2).
Identifiers: ClinVar variation 3898142 (VCV003898142.7).

ClinVar aggregate classification (germline): Likely benign (1 of 4 stars; one submission).

gnomAD v4.1: 591 of 1,613,732 alleles (0.037%); highest among the groups gnomAD compares: Non-Finnish European, 0.048%; 1 homozygote.

Submission:

CeGaT Center for Human Genetics Tuebingen
Classification: Likely benign. Last evaluated: 2026-03-01. Review status: criteria provided, single submitter. Criteria: CeGaT Center For Human Genetics Tuebingen Variant Classification Criteria Version 2. Collection method: clinical testing. Allele origin: germline. Affected: yes. Observed: 2 variant alleles.
Comment: ZNF462: BP4, BP7